The following is an entry in ClinVar:

NM_007186.6(CEP250):c.2519G>C (p.Gly840Ala)

Genes: CEP250 (centrosomal protein 250; plus strand), CEP250-AS1 (CEP250 antisense RNA 1; minus strand). Cytogenetic location: 20q11.22.
Variant type: single nucleotide variant.
Coding change: c.2519G>C on transcript NM_007186.6 (MANE Select); coding-DNA position 2519, G replaced by C.
Protein change: p.Gly840Ala; replaces glycine 840 with alanine.
Molecular consequence: missense variant.
Genome position (GRCh38, 1-based): chr20:35,480,078, G>C. VCF-style: chr20-35480078-G-C. GRCh37 (hg19) VCF-style: chr20-34067903-G-C.
Other names: c.623G>C, p.Gly208Ala (NM_001318219.1); short protein forms G208A, G840A.
Identifiers: ClinVar variation 1518817 (VCV001518817.4), dbSNP rs1366448259, ClinGen allele CA408769894.

ClinVar aggregate classification (germline): Uncertain significance (1 of 4 stars; one submission).

Allele frequency attached by ClinVar (database versions not stated): gnomAD exomes below 0.00001; TOPMed below 0.00001; gnomAD 0.00001.
gnomAD v4.1: 24 of 1,612,866 alleles (0.0015%); highest among the groups gnomAD compares: Non-Finnish European, 0.002%; no homozygotes.

Submission:

Labcorp Genetics (formerly Invitae), Labcorp
Classification: Uncertain significance. Last evaluated: 2022-07-19. Review status: criteria provided, single submitter. Criteria: Invitae Variant Classification Sherloc (09022015). Collection method: clinical testing. Allele origin: germline.
Comment: In summary, the available evidence is currently insufficient to determine the role of this variant in disease. Therefore, it has been classified as a Variant of Uncertain Significance. Algorithms developed to predict the effect of missense changes on protein structure and function are either unavailable or do not agree on the potential impact of this missense change (SIFT: "Not Available"; PolyPhen-2: "Benign"; Align-GVGD: "Not Available"). ClinVar contains an entry for this variant (Variation ID: 1518817). This variant has not been reported in the literature in individuals affected with CEP250-related conditions. This variant is present in population databases (no rsID available, gnomAD 0.0009%). This sequence change replaces glycine with alanine at codon 840 of the CEP250 protein (p.Gly840Ala). The glycine residue is moderately conserved and there is a small physicochemical difference between glycine and alanine.